The following is an entry in ClinVar:

ClinVar aggregate classification (germline): Uncertain significance (1 of 4 stars; one submission).

Submission:

Labcorp Genetics (formerly Invitae), Labcorp
Classification: Uncertain significance. Last evaluated: 2022-04-24. Review status: criteria provided, single submitter. Criteria: Invitae Variant Classification Sherloc (09022015). Collection method: clinical testing. Allele origin: germline.
Comment: In summary, the available evidence is currently insufficient to determine the role of this variant in disease. Therefore, it has been classified as a Variant of Uncertain Significance. Algorithms developed to predict the effect of missense changes on protein structure and function (SIFT, PolyPhen-2, Align-GVGD) all suggest that this variant is likely to be tolerated. This variant has not been reported in the literature in individuals affected with IMPG1-related conditions. This variant is not present in population databases (gnomAD no frequency). This sequence change replaces aspartic acid, which is acidic and polar, with glycine, which is neutral and non-polar, at codon 723 of the IMPG1 protein (p.Asp723Gly).

NM_001563.4(IMPG1):c.2168A>G (p.Asp723Gly)

Gene: IMPG1 (interphotoreceptor matrix proteoglycan 1; minus strand). Cytogenetic location: 6q14.1.
Variant type: single nucleotide variant.
Coding change: c.2168A>G on transcript NM_001563.4 (MANE Select); coding-DNA position 2168, A replaced by G.
Protein change: p.Asp723Gly; replaces aspartic acid 723 with glycine.
Molecular consequence: missense variant.
Genome position (GRCh38, 1-based): chr6:75,931,028, T>C on the plus strand (A>G on the coding strand, the complement: IMPG1 is on the minus strand). VCF-style: chr6-75931028-T-C. GRCh37 (hg19) VCF-style: chr6-76640745-T-C.
Other names: c.1934A>G, p.Asp645Gly (NM_001282368.2); short protein forms D723G, D645G.
Identifiers: ClinVar variation 1971992 (VCV001971992.5), dbSNP rs2535869654, ClinGen allele CA364769596.